The following is an entry in ClinVar:

ClinVar aggregate classification (germline): Uncertain significance (1 of 4 stars; one submission).

Conditions:
Hereditary cancer-predisposing syndrome. Also called: Neoplastic Syndromes, Hereditary; Tumor predisposition; Hereditary Cancer Syndrome; Hereditary neoplastic syndrome. Identifiers: Orphanet 140162, MedGen C0027672, MeSH D009386, MONDO:0015356.

Submission:

Color Diagnostics, LLC DBA Color Health
Classification: Uncertain significance for Hereditary cancer-predisposing syndrome. Last evaluated: 2023-08-28. Review status: criteria provided, single submitter. Criteria: ACMG Guidelines, 2015. Collection method: clinical testing. Allele origin: germline.
Comment: This missense variant replaces arginine with glycine at codon 2888 in the BRCA2 protein. Computational prediction suggests that this variant may not impact protein structure and function (internally defined REVEL score threshold <= 0.5, PMID: 27666373). To our knowledge, functional studies have not been reported for this variant. This variant has not been reported in individuals affected with BRCA2-related disorders in the literature. This variant has not been identified in the general population by the Genome Aggregation Database (gnomAD). The available evidence is insufficient to determine the role of this variant in disease conclusively. Therefore, this variant is classified as a Variant of Uncertain Significance.

NM_000059.4(BRCA2):c.8662C>G (p.Arg2888Gly)

Gene: BRCA2 (BRCA2 DNA repair associated; plus strand). Cytogenetic location: 13q13.1.
Variant type: single nucleotide variant.
Coding change: c.8662C>G on transcript NM_000059.4 (MANE Select); coding-DNA position 8662, C replaced by G.
Protein change: p.Arg2888Gly; replaces arginine 2888 with glycine.
Molecular consequence: missense variant. On other transcripts: non-coding transcript variant (1).
Genome position (GRCh38, 1-based): chr13:32,376,699, C>G. VCF-style: chr13-32376699-C-G. GRCh37 (hg19) VCF-style: chr13-32950836-C-G.
Other names: c.8566C>G, p.Arg2856Gly (NM_001406719.1); c.8662C>G, p.Arg2888Gly (NM_001406720.1); c.3730C>G, p.Arg1244Gly (NM_001406721.1); c.2245C>G, p.Arg749Gly (NM_001406722.1); short protein forms R1244G, R2888G, R749G, R2856G.
Identifiers: ClinVar variation 2774958 (VCV002774958.2), dbSNP rs80359123, ClinGen allele CA387754724.